The following is an entry in ClinVar:

ClinVar aggregate classification (germline): Likely benign. Review status: criteria provided, multiple submitters, no conflicts (2 of 4 stars). 4 submissions from 4 submitters: Likely benign (4). Last evaluated 2025-12-22.

Conditions:
LHX4-related disorder. Also called: LHX4-related condition.

Allele frequency attached by ClinVar (database versions not stated): TOPMed 0.00014; 1000 Genomes Project 30x 0.00016; gnomAD exomes 0.00016 and 0.00019; ESP Exome Variant Server 0.00008; gnomAD 0.00011; ExAC 0.00018; 1000 Genomes Project 0.00020.
gnomAD v4.1: 254 of 1,614,224 alleles (0.016%); highest among the groups gnomAD compares: East Asian, 0.24%; no homozygotes.

Submissions (4):

PreventionGenetics, part of Exact Sciences
Classification: Likely benign for LHX4-related condition. Last evaluated: 2025-12-22. Review status: criteria provided, single submitter. Criteria: ACMG Guidelines, 2015. Collection method: clinical testing. Allele origin: germline.
Comment: This variant is classified as likely benign based on ACMG/AMP sequence variant interpretation guidelines (Richards et al. 2015 PMID: 25741868, with internal and published modifications).

Blueprint Genetics
Classification: Likely benign. Last evaluated: 2024-11-20. Review status: criteria provided, single submitter. Criteria: ACMG Guidelines, 2015. Collection method: clinical testing. Allele origin: germline.

Labcorp Genetics (formerly Invitae), Labcorp
Classification: Likely benign. Last evaluated: 2024-06-12. Review status: criteria provided, single submitter. Criteria: Invitae Variant Classification Sherloc (09022015). Collection method: clinical testing. Allele origin: germline.

CeGaT Center for Human Genetics Tuebingen
Classification: Likely benign. Last evaluated: 2021-06-01. Review status: criteria provided, single submitter. Criteria: CeGaT Center For Human Genetics Tuebingen Variant Classification Criteria Version 2. Collection method: clinical testing. Allele origin: germline. Affected: yes. Observed: 1 variant allele.

NM_033343.4(LHX4):c.969C>T (p.His323=)

Genes: ACBD6 (acyl-CoA binding domain containing 6; minus strand), LHX4 (LIM homeobox 4; plus strand), LHX4-AS1 (LHX4 antisense RNA 1; minus strand). Cytogenetic location: 1q25.2.
Variant type: single nucleotide variant.
Coding change: c.969C>T on transcript NM_033343.4 (MANE Select); coding-DNA position 969, C replaced by T.
Protein change: p.His323=; no amino-acid change (histidine 323 retained).
Molecular consequence: synonymous variant.
Genome position (GRCh38, 1-based): chr1:180,274,375, C>T. VCF-style: chr1-180274375-C-T. GRCh37 (hg19) VCF-style: chr1-180243510-C-T.
Identifiers: ClinVar variation 746157 (VCV000746157.44), dbSNP rs202022709, ClinGen allele CA1272059.
Genomic context (GRCh38, chr1:180,274,375, plus strand): 5'-GGATGGGAGCCCCTATGGAATCCCCCAGTCTCCATCCTCCATATCGTCCCTGCCATCCCA[C>T]GCTCCTTTGCTCAATGGGCTGGATTACACGGTGGACAGTAATTTGGGCATCATTGCGCAT-3'
Protein context (NP_203129.1, residues 313-333): SPSSISSLPS[His323=]APLLNGLDYT